The following is an entry in ClinVar:

NM_000057.4(BLM):c.1469C>G (p.Pro490Arg)

Gene: BLM (BLM RecQ like helicase; plus strand). Cytogenetic location: 15q26.1.
Variant type: single nucleotide variant.
Coding change: c.1469C>G on transcript NM_000057.4 (MANE Select); coding-DNA position 1469, C replaced by G.
Protein change: p.Pro490Arg; replaces proline 490 with arginine.
Molecular consequence: missense variant.
Genome position (GRCh38, 1-based): chr15:90,760,842, C>G. VCF-style: chr15-90760842-C-G. GRCh37 (hg19) VCF-style: chr15-91304072-C-G.
Other names: c.1469C>G, p.Pro490Arg (NM_001287246.2, NM_001287247.2); c.344C>G, p.Pro115Arg (NM_001287248.2); short protein forms P490R, P115R.
Identifiers: ClinVar variation 236802 (VCV000236802.9), dbSNP rs878853553, ClinGen allele CA10583273.

ClinVar aggregate classification (germline): Conflicting classifications of pathogenicity. Review status: criteria provided, conflicting classifications (1 of 4 stars). 3 submissions from 3 submitters: Uncertain significance (1); Benign (1). 1 of the submissions does not count toward it. Last evaluated 2025-07-21.

Conditions:
Bloom syndrome (BLM). Also called: Bloom-Torre-Machacek syndrome. Identifiers: Orphanet 125, MedGen C0005859, MONDO:0008876, OMIM 210900.

Allele frequency attached by ClinVar (database versions not stated): gnomAD exomes 0.00001.
gnomAD v4.1: 5 of 1,613,940 alleles (0.00031%); highest among the groups gnomAD compares: East Asian, 0.0089%; no homozygotes.

Submissions (3):

Labcorp Genetics (formerly Invitae), Labcorp
Classification: Uncertain significance for Bloom syndrome. Last evaluated: 2025-07-21. Review status: criteria provided, single submitter. Criteria: Invitae Variant Classification Sherloc (09022015). Collection method: clinical testing. Allele origin: germline.
Comment: This sequence change replaces proline, which is neutral and non-polar, with arginine, which is basic and polar, at codon 490 of the BLM protein (p.Pro490Arg). This variant is not present in population databases (gnomAD no frequency). This variant has not been reported in the literature in individuals affected with BLM-related conditions. ClinVar contains an entry for this variant (Variation ID: 236802). Invitae Evidence Modeling of protein sequence and biophysical properties (such as structural, functional, and spatial information, amino acid conservation, physicochemical variation, residue mobility, and thermodynamic stability) indicates that this missense variant is not expected to disrupt BLM protein function with a negative predictive value of 80%. In summary, the available evidence is currently insufficient to determine the role of this variant in disease. Therefore, it has been classified as a Variant of Uncertain Significance.

Mendelics
Classification: Benign. Last evaluated: 2022-05-04. Review status: criteria provided, single submitter. Criteria: Mendelics Assertion Criteria 2019. Collection method: clinical testing. Allele origin: germline.

Counsyl
Classification: Uncertain significance for Bloom syndrome. Last evaluated: 2018-03-13. Review status: no assertion criteria provided. Collection method: clinical testing. Allele origin: unknown. Not counted in ClinVar's aggregate classification.